The following is an entry in ClinVar:

NM_000132.4(F8):c.580G>C (p.Ala194Pro)

Gene: F8 (coagulation factor VIII; minus strand). Cytogenetic location: Xq28.
Variant type: single nucleotide variant.
Coding change: c.580G>C on transcript NM_000132.4 (MANE Select); coding-DNA position 580, G replaced by C.
Protein change: p.Ala194Pro; replaces alanine 194 with proline.
Molecular consequence: missense variant.
Genome position (GRCh38, 1-based): chrX:154,992,957, C>G on the plus strand (G>C on the coding strand, the complement: F8 is on the minus strand). VCF-style: chrX-154992957-C-G. GRCh37 (hg19) VCF-style: chrX-154221232-C-G.
Other names: short protein forms A194P.
Identifiers: ClinVar variation 2579465 (VCV002579465.1), dbSNP rs2523977000, ClinGen allele CA414919407.
Genomic context (GRCh38, chrX:154,992,957, plus strand): 5'-TGCTTATTTCATCTCAATCCTACGCTTTCATACACTTACCTTCTCTACATACTAGTAGGG[C>G]TCCAATGAGGCCTGAATTCAAGTCTTTTACCAGGTCCACATGAGAAAGATATGAGTAGGT-3'
Protein context (NP_000123.1, residues 184-204): VKDLNSGLIG[Ala194Pro]LLVCREGSLA

ClinVar aggregate classification (germline): Uncertain significance (1 of 4 stars; one submission).

Submission:

GeneDx
Classification: Uncertain significance. Last evaluated: 2023-03-08. Review status: criteria provided, single submitter. Criteria: GeneDx Variant Classification Process June 2021. Collection method: clinical testing. Allele origin: germline. Affected: yes.
Comment: Not observed at significant frequency in large population cohorts (gnomAD); In silico analysis supports that this missense variant has a deleterious effect on protein structure/function; Has not been previously published as pathogenic or benign to our knowledge